The following is an entry in ClinVar:

ClinVar aggregate classification (germline): Uncertain significance (1 of 4 stars; one submission).

Submission:

GeneDx
Classification: Uncertain significance. Last evaluated: 2024-09-30. Review status: criteria provided, single submitter. Criteria: GeneDx Variant Classification Process June 2021. Collection method: clinical testing. Allele origin: germline. Affected: yes.
Comment: Not observed at significant frequency in large population cohorts (gnomAD); In silico analysis supports that this missense variant has a deleterious effect on protein structure/function; Has not been previously published as pathogenic or benign to our knowledge

NM_018896.5(CACNA1G):c.3289T>G (p.Trp1097Gly)

Gene: CACNA1G (calcium voltage-gated channel subunit alpha1 G; plus strand). Cytogenetic location: 17q21.33.
Variant type: single nucleotide variant.
Coding change: c.3289T>G on transcript NM_018896.5 (MANE Select); coding-DNA position 3289, T replaced by G.
Protein change: p.Trp1097Gly; replaces tryptophan 1097 with glycine.
Molecular consequence: missense variant. On other transcripts: non-coding transcript variant (5).
Genome position (GRCh38, 1-based): chr17:50,599,458, T>G. VCF-style: chr17-50599458-T-G. GRCh37 (hg19) VCF-style: chr17-48676819-T-G.
Other names: c.3289T>G, p.Trp1097Gly (NM_001256324.2, NM_001256325.2, NM_001256326.2 and 16 more transcripts); c.3220T>G, p.Trp1074Gly (NM_001256332.2, NM_198376.3, NM_198379.3 and 5 more transcripts); short protein forms W1074G, W1097G.
Identifiers: ClinVar variation 3776503 (VCV003776503.1).